The following is an entry in ClinVar:

ClinVar aggregate classification (germline): Likely benign (1 of 4 stars; one submission).

Allele frequency attached by ClinVar (database versions not stated): 1000 Genomes Project 0.00519; 1000 Genomes Project 30x 0.00531; TOPMed 0.00837; gnomAD 0.01002 and 0.01049.
gnomAD v4.1: 1,593 of 152,338 alleles (1%); highest among the groups gnomAD compares: Non-Finnish European, 1.5%; 15 homozygotes.

Submission:

GeneDx
Classification: Likely benign. Last evaluated: 2018-06-14. Review status: criteria provided, single submitter. Criteria: GeneDx Variant Classification (06012015). Collection method: clinical testing. Allele origin: germline. Affected: yes.
Comment: This variant is considered likely benign or benign based on one or more of the following criteria: it is a conservative change, it occurs at a poorly conserved position in the protein, it is predicted to be benign by multiple in silico algorithms, and/or has population frequency not consistent with disease.

NM_002474.3(MYH11):c.2520+224C>T

Gene: MYH11 (myosin heavy chain 11; minus strand). Cytogenetic location: 16p13.11.
Variant type: single nucleotide variant.
Coding change: c.2520+224C>T on transcript NM_002474.3 (MANE Select); 224 bases into the intron after coding-DNA position 2520, C replaced by T.
Molecular consequence: intron variant.
Genome position (GRCh38, 1-based): chr16:15,744,905, G>A on the plus strand (C>T on the coding strand, the complement: MYH11 is on the minus strand). VCF-style: chr16-15744905-G-A. GRCh37 (hg19) VCF-style: chr16-15838762-G-A.
Other names: c.2520+224C>T (NM_022844.3); c.2541+224C>T (NM_001040114.2, NM_001040113.2).
Identifiers: ClinVar variation 678736 (VCV000678736.1), dbSNP rs144126397, ClinGen allele CA278629887.